The following is an entry in ClinVar:

NM_000292.3(PHKA2):c.1493C>T (p.Pro498Leu)

Gene: PHKA2 (phosphorylase kinase regulatory subunit alpha 2; minus strand). Cytogenetic location: Xp22.13.
Variant type: single nucleotide variant.
Coding change: c.1493C>T on transcript NM_000292.3 (MANE Select); coding-DNA position 1493, C replaced by T.
Protein change: p.Pro498Leu; replaces proline 498 with leucine.
Molecular consequence: missense variant.
Genome position (GRCh38, 1-based): chrX:18,925,744, G>A on the plus strand (C>T on the coding strand, the complement: PHKA2 is on the minus strand). VCF-style: chrX-18925744-G-A. GRCh37 (hg19) VCF-style: chrX-18943862-G-A.
Other names: short protein forms P498L.
Identifiers: ClinVar variation 526622 (VCV000526622.18), dbSNP rs199792389, ClinGen allele CA10361869.

ClinVar aggregate classification (germline): Uncertain significance. Review status: criteria provided, multiple submitters, no conflicts (2 of 4 stars). 7 submissions from 7 submitters: Uncertain significance (6). 1 of the submissions does not count toward it. Last evaluated 2025-09-30.

Conditions:
PHKA2-related disorder. Also called: PHKA2-related condition.
Inborn genetic diseases. Identifiers: MedGen C0950123, MeSH D030342.
Glycogen storage disease IXa1. Also called: LIVER GLYCOGENOSIS, X-LINKED, TYPE I; GLYCOGEN STORAGE DISEASE VIII; GSD VIII; Glycogen storage disease 8. Identifiers: Orphanet 264580, MedGen C3694531, MONDO:0010598, OMIM 306000.

Allele frequency attached by ClinVar (database versions not stated): TOPMed 0.00012; ESP Exome Variant Server 0.00019; gnomAD exomes 0.00027 and 0.00007; ExAC 0.00006; gnomAD 0.00011.
gnomAD v4.1: 294 of 1,190,422 alleles (0.025%); highest among the groups gnomAD compares: Non-Finnish European, 0.033%; no homozygotes.

Submissions (7):

Labcorp Genetics (formerly Invitae), Labcorp
Classification: Uncertain significance for Glycogen storage disease IXa1. Last evaluated: 2025-09-30. Review status: criteria provided, single submitter. Criteria: Invitae Variant Classification Sherloc (09022015). Collection method: clinical testing. Allele origin: germline.
Comment: This sequence change replaces proline, which is neutral and non-polar, with leucine, which is neutral and non-polar, at codon 498 of the PHKA2 protein (p.Pro498Leu). This variant is present in population databases (rs199792389, gnomAD 0.02%), and has an allele count higher than expected for a pathogenic variant. This missense change has been observed in individual(s) with glycogen storage disease (PMID: 17689125, 28283841, 34117828). ClinVar contains an entry for this variant (Variation ID: 526622). Invitae Evidence Modeling of protein sequence and biophysical properties (such as structural, functional, and spatial information, amino acid conservation, physicochemical variation, residue mobility, and thermodynamic stability) indicates that this missense variant is expected to disrupt PHKA2 protein function with a positive predictive value of 80%. In summary, the available evidence is currently insufficient to determine the role of this variant in disease. Therefore, it has been classified as a Variant of Uncertain Significance.

Blueprint Genetics
Classification: Uncertain significance. Last evaluated: 2022-05-09. Review status: criteria provided, single submitter. Criteria: ACMG Guidelines, 2015. Collection method: clinical testing. Allele origin: germline.

Ambry Genetics
Classification: Uncertain significance for Inborn genetic diseases. Last evaluated: 2022-04-28. Review status: criteria provided, single submitter. Criteria: Ambry Variant Classification Scheme 2023. Collection method: clinical testing. Allele origin: germline.

Women's Health and Genetics/Laboratory Corporation of America, LabCorp
Classification: Uncertain significance. Last evaluated: 2022-03-28. Review status: criteria provided, single submitter. Criteria: LabCorp Variant Classification Summary - May 2015. Collection method: clinical testing. Allele origin: germline.
Comment: Variant summary: PHKA2 c.1493C>T (p.Pro498Leu) results in a non-conservative amino acid change located in the GH15-like domain (IPR011613) of the encoded protein sequence. Five of five in-silico tools predict a damaging effect of the variant on protein function. The variant allele was found at a frequency of 7.1e-05 in 183417 control chromosomes, including 3 hemizygotes. c.1493C>T has been reported in the literature in individuals affected with Glycogen Storage Diseases (e.g. Beauchamp_2007, Bali_2017, Benner_2021). The variant was also seen in 4 female carriers, including the probands mother who had mild hypoglycemia and three unaffected female cousins born from the unaffected hemizygotic uncle. This pedigree does provide unequivocal evidence for or against causality. To our knowledge, no experimental evidence demonstrating an impact on protein function has been reported. Three ClinVar submitters have assessed the variant since 2014: all have classified the variant as of uncertain significance. Based on the evidence outlined above, the variant was classified as VUS.

GeneDx
Classification: Uncertain significance. Last evaluated: 2020-04-29. Review status: criteria provided, single submitter. Criteria: GeneDx Variant Classification Process June 2021. Collection method: clinical testing. Allele origin: germline. Affected: yes.
Comment: In silico analysis supports that this missense variant has a deleterious effect on protein structure/function; This variant is associated with the following publications: (PMID: 17689125, 18950708)

Mendelics
Classification: Uncertain significance for Glycogen storage disease IXa1. Last evaluated: 2019-05-28. Review status: criteria provided, single submitter. Criteria: Mendelics Assertion Criteria 2017. Collection method: clinical testing. Allele origin: unknown.

PreventionGenetics, part of Exact Sciences
Classification: Uncertain significance for PHKA2-related condition. Last evaluated: 2024-06-21. Review status: no assertion criteria provided. Collection method: clinical testing. Allele origin: germline. Not counted in ClinVar's aggregate classification.
Comment: The PHKA2 c.1493C>T variant is predicted to result in the amino acid substitution p.Pro498Leu. Additionally, it has been observed in two male siblings with symptomatic ketotic hypoglycemia (Benner et al. 2021. PubMed ID: 34117828). This variant is reported in 0.015% of alleles in individuals of African descent in gnomAD, including >90 hemizygotes in the larger gnomAD v4.1 dataset. While we suspect this variant may be benign, at this time, the clinical significance of this variant is uncertain due to the absence of conclusive functional and genetic evidence.

Literature cited by the submitters: PubMed 17689125 (cited by 3 submitters); PubMed 28283841 (cited by Labcorp Genetics (formerly Invitae), Labcorp and Women's Health and Genetics/Laboratory Corporation of America, LabCorp); PubMed 34117828 (cited by 3 submitters).